The following is an entry in ClinVar:

NM_015967.8(PTPN22):c.2201C>T (p.Ser734Phe)

Genes: AP4B1-AS1 (AP4B1 antisense RNA 1; plus strand), PTPN22 (protein tyrosine phosphatase non-receptor type 22; minus strand). Cytogenetic location: 1p13.2.
Variant type: single nucleotide variant.
Coding change: c.2201C>T on transcript NM_015967.8 (MANE Select); coding-DNA position 2201, C replaced by T.
Protein change: p.Ser734Phe; replaces serine 734 with phenylalanine.
Molecular consequence: missense variant.
Genome position (GRCh38, 1-based): chr1:113,829,641, G>A on the plus strand (C>T on the coding strand, the complement: PTPN22 is on the minus strand). VCF-style: chr1-113829641-G-A. GRCh37 (hg19) VCF-style: chr1-114372263-G-A.
Other names: c.2117C>T, p.Ser706Phe (NM_001193431.3); c.2129C>T, p.Ser710Phe (NM_001308297.2); c.2036C>T, p.Ser679Phe (NM_012411.6); short protein forms S679F, S706F, S710F, S734F.
Identifiers: ClinVar variation 2576003 (VCV002576003.1), dbSNP rs2525829421, ClinGen allele CA341701091.
Genomic context (GRCh38, chr1:113,829,641, plus strand): 5'-ATCTTCTTTACCTTACTCCTTGTGAAACTTTTTCCAGGAGTCTTCAGTGTCTGTTTTGAA[G>A]ATGTTGAATTTTCCATGGTGTCAGGATAGCTAGTAGAATATGTTTCTATAGATTGGGCCT-3'
Protein context (NP_057051.4, residues 724-744): SYPDTMENST[Ser734Phe]SKQTLKTPGK

ClinVar aggregate classification (germline): Uncertain significance (1 of 4 stars; one submission).

Allele frequency attached by ClinVar (database versions not stated): gnomAD exomes below 0.00001.
gnomAD v4.1: 1 of 1,609,864 alleles (0.000062%); highest among the groups gnomAD compares: Non-Finnish European, 0.000085%; no homozygotes.

Submission:

Institute for Clinical Genetics, University Hospital TU Dresden, University Hospital TU Dresden
Classification: Uncertain significance. Last evaluated: 2022-08-16. Review status: criteria provided, single submitter. Criteria: ACMG Guidelines, 2015. Collection method: clinical testing. Allele origin: germline.
Comment: PP3, PM2_SUP